The following is an entry in ClinVar:

NM_153252.5(BRWD3):c.4441G>C (p.Asp1481His)

Gene: BRWD3 (bromodomain and WD repeat domain containing 3; minus strand). Cytogenetic location: Xq21.1.
Variant type: single nucleotide variant.
Coding change: c.4441G>C on transcript NM_153252.5 (MANE Select); coding-DNA position 4441, G replaced by C.
Protein change: p.Asp1481His; replaces aspartic acid 1481 with histidine.
Molecular consequence: missense variant.
Genome position (GRCh38, 1-based): chrX:80,682,051, C>G on the plus strand (G>C on the coding strand, the complement: BRWD3 is on the minus strand). VCF-style: chrX-80682051-C-G. GRCh37 (hg19) VCF-style: chrX-79937550-C-G.
Other names: short protein forms D1481H.
Identifiers: ClinVar variation 3365392 (VCV003365392.1).
Genomic context (GRCh38, chrX:80,682,051, plus strand): 5'-ATTTACCAGGAGATGAGAAAGGAGAGCTAGTCCTGGCATGAGATACTGAGGTATTCTGGT[C>G]ATTTTTAGGCTGCAACTTCATTTGTTTCTGCTTCCCTTTTGGACTAGAAGTAAAAATATG-3'
Protein context (NP_694984.5, residues 1471-1491): QKQMKLQPKN[Asp1481His]QNTSVSHART

ClinVar aggregate classification (germline): Uncertain significance (1 of 4 stars; one submission).

Submission:

GeneDx
Classification: Uncertain significance. Last evaluated: 2023-12-13. Review status: criteria provided, single submitter. Criteria: GeneDx Variant Classification Process June 2021. Collection method: clinical testing. Allele origin: germline. Affected: yes.
Comment: Not observed at significant frequency in large population cohorts (gnomAD); In silico analysis supports that this missense variant does not alter protein structure/function; Has not been previously published as pathogenic or benign to our knowledge